The following is an entry in ClinVar:

NM_004366.6(CLCN2):c.985_986del (p.Ile329fs)

Gene: CLCN2 (chloride voltage-gated channel 2; minus strand). Cytogenetic location: 3q27.1.
Variant type: Deletion.
Coding change: c.985_986del on transcript NM_004366.6 (MANE Select); coding-DNA positions 985 to 986, 2 bases deleted (AT; older notation c.985_986delAT).
Protein change: p.Ile329fs; shifts the reading frame from isoleucine 329.
Molecular consequence: frameshift variant.
Genome position (GRCh38, 1-based): chr3:184,357,092-184,357,093, AT deleted on the plus strand (AT on the coding strand, the reverse complement: CLCN2 is on the minus strand); deleting any 2 consecutive bases within chr3:184,357,092-184,357,094 gives the same sequence; the c. name uses the placement nearest the transcript's 3' end. VCF-style (leftmost placement, unchanged base first): chr3-184357091-AAT-A. GRCh37 (hg19) VCF-style: chr3-184074879-AAT-A.
Other names: c.985_986del, p.Ile329fs (NM_001171087.3, NM_001171089.3); c.853_854del, p.Ile285fs (NM_001171088.3); short protein forms I329fs, I285fs.
Identifiers: ClinVar variation 1032901 (VCV001032901.1), dbSNP rs1245141384, ClinGen allele CA903718156.
Genomic context (GRCh38, chr3:184,357,091, plus strand): 5'-CATCACCTGGACAATCTTCCGGTTCAGGTAGACAAAGAGGGCTCCACCGAAGCCACTAGC[AAT>A]ACTGGAAAGGGAAGAGGCACCTGAGTGAAAAGGAGCCTTCTAGAAACCCCCCTCCTCTCT-3'

ClinVar aggregate classification (germline): Pathogenic (1 of 4 stars; one submission).

Conditions:
Leukoencephalopathy with mild cerebellar ataxia and white matter edema (LKPAT). Also called: Leukoencephalopathy with ataxia; Leukoencephalopathy with white matter edema; Brain white matter edema; CLCN2-Related Leukoencephalopathy. Identifiers: Orphanet 363540, MedGen C4554120, MONDO:0014292, OMIM 615651. Disease mechanism: loss of function.

Submission:

Baylor Genetics
Classification: Pathogenic for Leukoencephalopathy with mild cerebellar ataxia and white matter edema. Last evaluated: 2018-03-14. Review status: criteria provided, single submitter. Criteria: ACMG Guidelines, 2015. Collection method: clinical testing. Allele origin: unknown. Affected: yes.
Comment: This variant was determined to be pathogenic according to ACMG Guidelines, 2015 [PMID:25741868].